The following is an entry in ClinVar:

NM_024334.3(TMEM43):c.1196T>C (p.Leu399Ser)

Gene: TMEM43 (transmembrane protein 43; plus strand). Cytogenetic location: 3p25.1.
Variant type: single nucleotide variant.
Coding change: c.1196T>C on transcript NM_024334.3 (MANE Select); coding-DNA position 1196, T replaced by C.
Protein change: p.Leu399Ser; replaces leucine 399 with serine.
Molecular consequence: missense variant.
Genome position (GRCh38, 1-based): chr3:14,141,788, T>C. VCF-style: chr3-14141788-T-C. GRCh37 (hg19) VCF-style: chr3-14183288-T-C.
Other names: c.1199T>C, p.Leu400Ser (NM_001407274.1); c.1193T>C, p.Leu398Ser (NM_001407275.1, NM_001407276.1); c.1190T>C, p.Leu397Ser (NM_001407277.1); c.1181T>C, p.Leu394Ser (NM_001407278.1); c.1121T>C, p.Leu374Ser (NM_001407279.1); c.1046T>C, p.Leu349Ser (NM_001407280.1); short protein forms L400S, L374S, L398S, L394S, L397S, L399S, L349S.
Identifiers: ClinVar variation 4719411 (VCV004719411.1).

ClinVar aggregate classification (germline): Uncertain significance (1 of 4 stars; one submission).

Conditions:
Arrhythmogenic right ventricular dysplasia 5. Also called: Arrhythmogenic Right Ventricular Dysplasia/Cardiomyopathy 5; ARRHYTHMOGENIC RIGHT VENTRICULAR DYSPLASIA, FAMILIAL, 5. Identifiers: MedGen C1858379, MONDO:0011459, OMIM 604400.

Submission:

Labcorp Genetics (formerly Invitae), Labcorp
Classification: Uncertain significance for Arrhythmogenic right ventricular dysplasia 5. Last evaluated: 2025-05-28. Review status: criteria provided, single submitter. Criteria: Invitae Variant Classification Sherloc (09022015). Collection method: clinical testing. Allele origin: germline.
Comment: This sequence change replaces leucine, which is neutral and non-polar, with serine, which is neutral and polar, at codon 399 of the TMEM43 protein (p.Leu399Ser). This variant is not present in population databases (gnomAD no frequency). This variant has not been reported in the literature in individuals affected with TMEM43-related conditions. An algorithm developed to predict the effect of missense changes on protein structure and function (PolyPhen-2) suggests that this variant is likely to be tolerated. In summary, the available evidence is currently insufficient to determine the role of this variant in disease. Therefore, it has been classified as a Variant of Uncertain Significance.